The following is an entry in ClinVar:

ClinVar aggregate classification (germline): Uncertain significance (1 of 4 stars; one submission).

Conditions:
Andersen Tawil syndrome (LQT7). Also called: PERIODIC PARALYSIS, POTASSIUM-SENSITIVE CARDIODYSRHYTHMIC TYPE; Andersen Syndrome; ANDERSEN CARDIODYSRHYTHMIC PERIODIC PARALYSIS; LONG QT SYNDROME 7; Potassium-sensitive periodic paralysis, ventricular ectopy, and dysmorphic features. Identifiers: Orphanet 37553, MedGen C1563715, MONDO:0008222, OMIM 170390.

Submission:

MVZ Medizinische Genetik Mainz
Classification: Uncertain significance for Andersen Tawil syndrome. Last evaluated: 2024-08-02. Review status: criteria provided, single submitter. Criteria: UK Practice Guidelines For Variant Classification V4 01 2020. Collection method: clinical testing. Allele origin: germline. Inheritance: Autosomal dominant inheritance. Affected: yes. Observed: 1 variant allele.
Comment: ACMG Criteria: PM5,PM2_SUP,PP2,PP3

NM_000891.3(KCNJ2):c.376G>C (p.Val126Leu)

Gene: KCNJ2 (potassium inwardly rectifying channel subfamily J member 2; plus strand). Cytogenetic location: 17q24.3.
Variant type: single nucleotide variant.
Coding change: c.376G>C on transcript NM_000891.3 (MANE Select); coding-DNA position 376, G replaced by C.
Protein change: p.Val126Leu; replaces valine 126 with leucine.
Molecular consequence: missense variant.
Genome position (GRCh38, 1-based): chr17:70,175,415, G>C. VCF-style: chr17-70175415-G-C. GRCh37 (hg19) VCF-style: chr17-68171556-G-C.
Other names: short protein forms V126L.
Identifiers: ClinVar variation 3338393 (VCV003338393.1).